The following is an entry in ClinVar:

ClinVar aggregate classification (germline): Likely benign (1 of 4 stars; one submission).

Allele frequency attached by ClinVar (database versions not stated): 1000 Genomes Project 30x 0.00125; ExAC 0.00138; 1000 Genomes Project 0.00140; TOPMed 0.00175; gnomAD 0.00181; ESP Exome Variant Server 0.00185; gnomAD exomes 0.00293.
gnomAD v4.1: 4,510 of 1,608,750 alleles (0.28%); highest among the groups gnomAD compares: Non-Finnish European, 0.35%; 7 homozygotes.

Submission:

CeGaT Center for Human Genetics Tuebingen
Classification: Likely benign. Last evaluated: 2022-06-01. Review status: criteria provided, single submitter. Criteria: CeGaT Center For Human Genetics Tuebingen Variant Classification Criteria Version 2. Collection method: clinical testing. Allele origin: germline. Affected: yes. Observed: 1 variant allele.
Comment: SH3TC1: BP4, BP7

NM_018986.5(SH3TC1):c.2526G>A (p.Pro842=)

Gene: SH3TC1 (SH3 domain and tetratricopeptide repeats 1; plus strand). Cytogenetic location: 4p16.1.
Variant type: single nucleotide variant.
Coding change: c.2526G>A on transcript NM_018986.5 (MANE Select); coding-DNA position 2526, G replaced by A.
Protein change: p.Pro842=; no amino-acid change (proline 842 retained).
Molecular consequence: synonymous variant. On other transcripts: non-coding transcript variant (1).
Genome position (GRCh38, 1-based): chr4:8,228,220, G>A. VCF-style: chr4-8228220-G-A. GRCh37 (hg19) VCF-style: chr4-8229947-G-A.
Other names: c.2298G>A, p.Pro766= (NM_001318480.2); c.2445G>A, p.Pro815= (NM_001410712.1).
Identifiers: ClinVar variation 2654649 (VCV002654649.24), dbSNP rs150084789, ClinGen allele CA2849624.
Genomic context (GRCh38, chr4:8,228,220, plus strand): 5'-TGCCATCGTGGACCACCTGGTGGCCCTGGCCTGGCTGCACGTGCTTCATGGGCAGAGCCC[G>A]GTGGCCCTGGACATCCTGCAGTCTGTCCGGGATGCAGTGGTGGCCAGCGAGGACCAGGAG-3'
Protein context (NP_061859.4, residues 832-852): AWLHVLHGQS[Pro842=]VALDILQSVR